The following is an entry in ClinVar:

NM_001918.5(DBT):c.1333_1336del (p.Met444_Asn445insTer)

Gene: DBT (dihydrolipoamide branched chain transacylase E2; minus strand). Cytogenetic location: 1p21.2.
Variant type: Microsatellite.
Coding change: c.1333_1336del on transcript NM_001918.5 (MANE Select); coding-DNA positions 1333 to 1336, 4 bases deleted (AATG; older notation c.1333_1336delAATG).
Protein change: p.Met444_Asn445insTer.
Molecular consequence: nonsense.
Genome position (GRCh38, 1-based): chr1:100,196,368-100,196,371, CATT deleted on the plus strand (AATG on the coding strand, the reverse complement: DBT is on the minus strand); deleting any 4 consecutive bases within chr1:100,196,368-100,196,375 gives the same sequence; the c. name uses the placement nearest the transcript's 3' end. VCF-style (leftmost placement, unchanged base first): chr1-100196367-ACATT-A. GRCh37 (hg19) VCF-style: chr1-100661923-ACATT-A.
Other names: c.1333_1336del (NM_001918.4).
Identifiers: ClinVar variation 1376132 (VCV001376132.9), dbSNP rs2100761028, ClinGen allele CA658820833.

ClinVar aggregate classification (germline): Pathogenic. Review status: criteria provided, multiple submitters, no conflicts (2 of 4 stars). 2 submissions from 2 submitters: Pathogenic (2). Last evaluated 2024-05-03.

Conditions:
Maple syrup urine disease (MSUD). Identifiers: Orphanet 511, MedGen C0024776, MeSH D008375, MONDO:0009563. Disease mechanism: loss of function.
Maple syrup urine disease type 1A (MSUD1A). Also called: MSUD type 1A. Identifiers: MedGen C1855369, MONDO:0023691, OMIM 248600.

Submissions (2):

Revvity Omics, Revvity
Classification: Pathogenic for Maple syrup urine disease type 1A. Last evaluated: 2024-05-03. Review status: criteria provided, single submitter. Criteria: ACMG Guidelines, 2015. Collection method: clinical testing. Allele origin: germline.

Labcorp Genetics (formerly Invitae), Labcorp
Classification: Pathogenic for Maple syrup urine disease. Last evaluated: 2021-04-17. Review status: criteria provided, single submitter. Criteria: Invitae Variant Classification Sherloc (09022015). Collection method: clinical testing. Allele origin: germline.
Comment: This sequence change creates a premature translational stop signal (p.Asn445*) in the DBT gene. While this is not anticipated to result in nonsense mediated decay, it is expected to disrupt the last 38 amino acid(s) of the DBT protein. This variant is not present in population databases (ExAC no frequency). This variant has been observed in individual(s) with maple syrup urine disease (PMID: 23313820). Algorithms developed to predict the effect of sequence changes on RNA splicing suggest that this variant may create or strengthen a splice site, but this prediction has not been confirmed by published transcriptional studies. This variant disrupts the C-terminus of the DBT protein. Other variant(s) that disrupt this region (p.Ser461*) have been determined to be pathogenic (PMID: 30228974). This suggests that variants that disrupt this region of the protein are likely to be causative of disease. For these reasons, this variant has been classified as Pathogenic.

Literature cited by the submitters: PubMed 23313820 (cited by Labcorp Genetics (formerly Invitae), Labcorp); PubMed 30228974 (cited by Labcorp Genetics (formerly Invitae), Labcorp).